The following is an entry in ClinVar:

NM_006662.3(SRCAP):c.2989A>T (p.Met997Leu)

Gene: SRCAP (Snf2 related CREBBP activator protein; plus strand). Cytogenetic location: 16p11.2.
Variant type: single nucleotide variant.
Coding change: c.2989A>T on transcript NM_006662.3 (MANE Select); coding-DNA position 2989, A replaced by T.
Protein change: p.Met997Leu; replaces methionine 997 with leucine.
Molecular consequence: missense variant.
Genome position (GRCh38, 1-based): chr16:30,720,714, A>T. VCF-style: chr16-30720714-A-T. GRCh37 (hg19) VCF-style: chr16-30732035-A-T.
Other names: short protein forms M997L.
Identifiers: ClinVar variation 2836381 (VCV002836381.3), dbSNP rs756791975, ClinGen allele CA8011383.
Genomic context (GRCh38, chr16:30,720,714, plus strand): 5'-ATATTGCTACCCCTTATTCTCCTTCTGTCCCTACCCACTCTCTTAATTTTTTCTCACAGG[A>T]TGCTGCAGCCAGTACCTAAGCAAGAAGGCCGGACAGTGGTGGTGGTGAACAACCCACGGG-3'
Protein context (NP_006653.2, residues 987-1007): PKPVKMKVNR[Met997Leu]LQPVPKQEGR

ClinVar aggregate classification (germline): Uncertain significance (1 of 4 stars; one submission).

Allele frequency attached by ClinVar (database versions not stated): ExAC 0.00001.
gnomAD v4.1: 3 of 1,591,478 alleles (0.00019%); highest among the groups gnomAD compares: Non-Finnish European, 0.00026%; no homozygotes.

Submission:

Labcorp Genetics (formerly Invitae), Labcorp
Classification: Uncertain significance. Last evaluated: 2024-05-21. Review status: criteria provided, single submitter. Criteria: Invitae Variant Classification Sherloc (09022015). Collection method: clinical testing. Allele origin: germline.
Comment: This sequence change replaces methionine, which is neutral and non-polar, with leucine, which is neutral and non-polar, at codon 997 of the SRCAP protein (p.Met997Leu). This variant is present in population databases (rs756791975, gnomAD 0.001%). This variant has not been reported in the literature in individuals affected with SRCAP-related conditions. Experimental studies and prediction algorithms are not available or were not evaluated, and the functional significance of this variant is currently unknown. In summary, the available evidence is currently insufficient to determine the role of this variant in disease. Therefore, it has been classified as a Variant of Uncertain Significance.